The following is an entry in ClinVar:

NM_001999.4(FBN2):c.953-3T>A

Gene: FBN2 (fibrillin 2; minus strand). Cytogenetic location: 5q23.3.
Variant type: single nucleotide variant.
Coding change: c.953-3T>A on transcript NM_001999.4 (MANE Select); 3 bases into the intron before coding-DNA position 953, T replaced by A.
Molecular consequence: intron variant.
Genome position (GRCh38, 1-based): chr5:128,408,802, A>T on the plus strand (T>A on the coding strand, the complement: FBN2 is on the minus strand). VCF-style: chr5-128408802-A-T. GRCh37 (hg19) VCF-style: chr5-127744495-A-T.
Identifiers: ClinVar variation 583052 (VCV000583052.9), dbSNP rs1020574940, ClinGen allele CA562704092.

ClinVar aggregate classification (germline): Uncertain significance (1 of 4 stars; one submission).

Conditions:
Congenital contractural arachnodactyly (CCA). Also called: BEALS SYNDROME; Arthrogryposis, distal, type 9; Beals-Hecht syndrome. Identifiers: Orphanet 115, MedGen C0220668, MONDO:0007363, OMIM 121050.

Allele frequency attached by ClinVar (database versions not stated): gnomAD exomes 0.00001.
gnomAD v4.1: 6 of 1,613,932 alleles (0.00037%); highest among the groups gnomAD compares: Non-Finnish European, 0.00051%; no homozygotes.

Submission:

Labcorp Genetics (formerly Invitae), Labcorp
Classification: Uncertain significance for Congenital contractural arachnodactyly. Last evaluated: 2025-04-02. Review status: criteria provided, single submitter. Criteria: Invitae Variant Classification Sherloc (09022015). Collection method: clinical testing. Allele origin: germline.
Comment: This sequence change falls in intron 7 of the FBN2 gene. It does not directly change the encoded amino acid sequence of the FBN2 protein. It affects a nucleotide within the consensus splice site. This variant is present in population databases (no rsID available, gnomAD 0.002%). This variant has not been reported in the literature in individuals affected with FBN2-related conditions. ClinVar contains an entry for this variant (Variation ID: 583052). Variants that disrupt the consensus splice site are a relatively common cause of aberrant splicing (PMID: 17576681, 9536098). Algorithms developed to predict the effect of sequence changes on RNA splicing suggest that this variant is not likely to affect RNA splicing. In summary, the available evidence is currently insufficient to determine the role of this variant in disease. Therefore, it has been classified as a Variant of Uncertain Significance.

Literature cited by the submitters: PubMed 17576681; PubMed 9536098.